The following is an entry in ClinVar:

ClinVar aggregate classification (germline): Pathogenic (1 of 4 stars; one submission).

Conditions:
Familial adenomatous polyposis 2. Also called: COLORECTAL ADENOMATOUS POLYPOSIS, AUTOSOMAL RECESSIVE; ADENOMAS, MULTIPLE COLORECTAL, AUTOSOMAL RECESSIVE; FAP type 2; MUTYH Polyposis; MYH-associated polyposis; Adenomas, multiple colorectal. Identifiers: Orphanet 220460, Orphanet 247798, MedGen C3272841, MONDO:0012041, OMIM 608456.

Submission:

Labcorp Genetics (formerly Invitae), Labcorp
Classification: Pathogenic for Familial adenomatous polyposis 2. Last evaluated: 2024-01-25. Review status: criteria provided, single submitter. Criteria: Invitae Variant Classification Sherloc (09022015). Collection method: clinical testing. Allele origin: germline.
Comment: This sequence change creates a premature translational stop signal (p.Thr204Lysfs*36) in the MUTYH gene. It is expected to result in an absent or disrupted protein product. Loss-of-function variants in MUTYH are known to be pathogenic (PMID: 18534194, 20663686). This variant is not present in population databases (gnomAD no frequency). This variant has not been reported in the literature in individuals affected with MUTYH-related conditions. Algorithms developed to predict the effect of sequence changes on RNA splicing suggest that this variant may disrupt the consensus splice site. For these reasons, this variant has been classified as Pathogenic.

Literature cited by the submitters: PubMed 18534194; PubMed 20663686.

NM_001048174.2(MUTYH):c.527del (p.Thr176fs)

Gene: MUTYH (mutY DNA glycosylase; minus strand). Cytogenetic location: 1p34.1.
Variant type: Deletion.
Coding change: c.527del on transcript NM_001048174.2 (MANE Select); coding-DNA position 527, one base deleted (C; older notation c.527delC).
Protein change: p.Thr176fs; shifts the reading frame from threonine 176.
Molecular consequence: frameshift variant. On other transcripts: non-coding transcript variant (7).
Genome position (GRCh38, 1-based): chr1:45,332,653, G deleted on the plus strand (C on the coding strand, the reverse complement: MUTYH is on the minus strand). VCF-style (leftmost placement, unchanged base first): chr1-45332652-TG-T. GRCh37 (hg19) VCF-style: chr1-45798324-TG-T.
Other names: c.527del, p.Thr176fs (NM_001048171.2, NM_001048173.2, NM_001293195.2 and 6 more transcripts); c.530del, p.Thr177fs (NM_001048172.2, NM_001407071.1, NM_001407078.1 and 1 more transcripts); c.611del, p.Thr204fs (NM_001128425.2); c.572del, p.Thr191fs (NM_001293190.2); c.560del, p.Thr187fs (NM_001293191.2, NM_001407069.1, NM_001407077.1); c.251del, p.Thr84fs (NM_001293192.2, NM_001293196.2, NM_001407091.1); c.182del, p.Thr61fs (NM_001350650.2, NM_001350651.2, NM_001407082.1); c.443del, p.Thr148fs (NM_001407075.1); and 5 more; short protein forms T183fs, T190fs, T61fs, T148fs, T191fs, T204fs, T162fs, T176fs.
Identifiers: ClinVar variation 2711516 (VCV002711516.3), dbSNP rs2524151547, ClinGen allele CA2697552383.